The following is an entry in ClinVar:

NM_001243133.2(NLRP3):c.2322-56G>A

Gene: NLRP3 (NLR family pyrin domain containing 3; plus strand). Cytogenetic location: 1q44.
Variant type: single nucleotide variant.
Coding change: c.2322-56G>A on transcript NM_001243133.2 (MANE Select); 56 bases into the intron before coding-DNA position 2322, G replaced by A.
Molecular consequence: intron variant.
Genome position (GRCh38, 1-based): chr1:247,434,047, G>A. VCF-style: chr1-247434047-G-A. GRCh37 (hg19) VCF-style: chr1-247597349-G-A.
Other names: NC_000001.10:g.247597349G>A; c.2328-56G>A (NM_004895.5); c.2322-56G>A (NM_001127461.3, NM_001079821.3); c.2151-56G>A (NM_001127462.3, NM_183395.3).
Identifiers: ClinVar variation 2628279 (VCV002628279.3), dbSNP rs75241539, ClinGen allele CA40703671.
Genomic context (GRCh38, chr1:247,434,047, plus strand): 5'-TGATGCTTTCTCTATTCCGGAGCTTCCTGATCAGGTGTGTCCTGATGCTTCCTCTGTTCT[G>A]GAGCTCTCTGGTCAGGTGTGTTCTGATGCTTTCTGCCTCTGTTCTTGGCATGAAGGTTGG-3'

ClinVar aggregate classification (germline): Benign (1 of 4 stars; one submission).

Allele frequency attached by ClinVar (database versions not stated): gnomAD exomes 0.00988; gnomAD 0.01005.
gnomAD v4.1: 7,440 of 757,156 alleles (0.98%); highest among the groups gnomAD compares: Admixed American, 4%; 1,434 homozygotes.

Submissions (13):

Unidad de Genómica Garrahan, Hospital de Pediatría Garrahan
Classification: Benign. Last evaluated: 2023-11-12. Review status: criteria provided, single submitter. Criteria: ACMG Guidelines, 2015. Collection method: clinical testing. Allele origin: germline. Affected: no. Observed: 22 variant alleles.
Comment: This variant is classified as Benign based on local population frequency. This variant was detected in 23% of patients studied by a panel of primary immunodeficiencies. Number of patients: 22. Only high quality variants are reported.

Dr. Peter K. Rogan Lab, Western University
No classification provided (evidence only). Condition: Acute myeloid leukemia. Review status: no classification provided. Collection method: in vitro. Allele origin: not applicable. Functional consequence: retained intron. Not counted in ClinVar's aggregate classification.

Dr. Peter K. Rogan Lab, Western University
No classification provided (evidence only). Condition: Acute myeloid leukemia. Review status: no classification provided. Collection method: in vitro. Allele origin: not applicable. Functional consequence: skipped exon. Not counted in ClinVar's aggregate classification.

Dr. Peter K. Rogan Lab, Western University
No classification provided (evidence only). Condition: Uterine corpus endometrial carcinoma. Review status: no classification provided. Collection method: in vitro. Allele origin: not applicable. Functional consequence: retained intron. Not counted in ClinVar's aggregate classification.

Dr. Peter K. Rogan Lab, Western University
No classification provided (evidence only). Condition: Cervical cancer. Review status: no classification provided. Collection method: in vitro. Allele origin: not applicable. Functional consequence: retained intron. Not counted in ClinVar's aggregate classification.

Dr. Peter K. Rogan Lab, Western University
No classification provided (evidence only). Condition: Pancreatic adenocarcinoma. Review status: no classification provided. Collection method: in vitro. Allele origin: not applicable. Functional consequence: retained intron. Not counted in ClinVar's aggregate classification.

Dr. Peter K. Rogan Lab, Western University
No classification provided (evidence only). Condition: Pancreatic adenocarcinoma. Review status: no classification provided. Collection method: in vitro. Allele origin: not applicable. Functional consequence: retained intron. Not counted in ClinVar's aggregate classification.

Dr. Peter K. Rogan Lab, Western University
No classification provided (evidence only). Condition: Thymoma. Review status: no classification provided. Collection method: in vitro. Allele origin: not applicable. Functional consequence: retained intron. Not counted in ClinVar's aggregate classification.

Dr. Peter K. Rogan Lab, Western University
No classification provided (evidence only). Condition: Thymoma. Review status: no classification provided. Collection method: in vitro. Allele origin: not applicable. Functional consequence: retained intron. Not counted in ClinVar's aggregate classification.

Dr. Peter K. Rogan Lab, Western University
No classification provided (evidence only). Condition: Thymoma. Review status: no classification provided. Collection method: in vitro. Allele origin: not applicable. Functional consequence: retained intron. Not counted in ClinVar's aggregate classification.

Dr. Peter K. Rogan Lab, Western University
No classification provided (evidence only). Condition: Thymoma. Review status: no classification provided. Collection method: in vitro. Allele origin: not applicable. Functional consequence: retained intron. Not counted in ClinVar's aggregate classification.

Dr. Peter K. Rogan Lab, Western University
No classification provided (evidence only). Condition: Gastric cancer. Review status: no classification provided. Collection method: in vitro. Allele origin: not applicable. Functional consequence: retained intron. Not counted in ClinVar's aggregate classification.

Dr. Peter K. Rogan Lab, Western University
No classification provided (evidence only). Condition: Malignant tumor of esophagus. Review status: no classification provided. Collection method: in vitro. Allele origin: not applicable. Functional consequence: retained intron. Not counted in ClinVar's aggregate classification.